The following is an entry in ClinVar:

NM_003906.5(MCM3AP):c.1219+1G>A

Gene: MCM3AP (minichromosome maintenance complex component 3 associated protein; minus strand). Cytogenetic location: 21q22.3.
Variant type: single nucleotide variant.
Coding change: c.1219+1G>A on transcript NM_003906.5 (MANE Select); the canonical splice donor site of the intron after coding-DNA position 1219, G replaced by A.
Molecular consequence: splice donor variant.
Genome position (GRCh38, 1-based): chr21:46,284,067, C>T on the plus strand (G>A on the coding strand, the complement: MCM3AP is on the minus strand). VCF-style: chr21-46284067-C-T. GRCh37 (hg19) VCF-style: chr21-47703981-C-T.
Identifiers: ClinVar variation 4991547 (VCV004991547.1).

ClinVar aggregate classification (germline): Likely pathogenic (1 of 4 stars; one submission).

Conditions:
MCM3AP-related disorder. Also called: MCM3AP-related condition.

gnomAD v4.1: 1 of 1,609,460 alleles (0.000062%); highest among the groups gnomAD compares: Non-Finnish European, 0.000085%; no homozygotes.

Submission:

PreventionGenetics, part of Exact Sciences
Classification: Likely pathogenic for MCM3AP-related condition. Last evaluated: 2026-09-03. Review status: criteria provided, single submitter. Criteria: ACMG Guidelines, 2015. Collection method: clinical testing. Allele origin: germline.
Comment: The MCM3AP c.1219+1G>A variant is predicted to disrupt the GT donor site and interfere with normal splicing. To our knowledge, this variant has not been reported in the literature or in a large population database (gnomAD), indicating this variant is rare. Variants that disrupt the consensus splice donor site in MCM3AP are expected to be pathogenic. This variant is interpreted as likely pathogenic.